The following is an entry in ClinVar:

NM_002863.5(PYGL):c.208C>A (p.Arg70Ser)

Gene: PYGL (glycogen phosphorylase L; minus strand). Cytogenetic location: 14q22.1.
Variant type: single nucleotide variant.
Coding change: c.208C>A on transcript NM_002863.5 (MANE Select); coding-DNA position 208, C replaced by A.
Protein change: p.Arg70Ser; replaces arginine 70 with serine.
Molecular consequence: missense variant.
Genome position (GRCh38, 1-based): chr14:50,944,196, G>T on the plus strand (C>A on the coding strand, the complement: PYGL is on the minus strand). VCF-style: chr14-50944196-G-T. GRCh37 (hg19) VCF-style: chr14-51410914-G-T.
Other names: c.208C>A, p.Arg70Ser (NM_001163940.2); short protein forms R70S.
Identifiers: ClinVar variation 946196 (VCV000946196.9), dbSNP rs1555328661, ClinGen allele CA389699212.

ClinVar aggregate classification (germline): Uncertain significance (1 of 4 stars; one submission).

Conditions:
Glycogen storage disease, type VI (GSD6). Also called: Hepatic glycogen phosphorylase deficiency; Glycogen storage disease type 6, due to phosphorylation; GSD VI; Glycogen storage disease type 6; HERS DISEASE; PHOSPHORYLASE DEFICIENCY GLYCOGEN-STORAGE DISEASE OF LIVER. Identifiers: Orphanet 369, MedGen C0017925, MONDO:0009294, OMIM 232700.

Submission:

Labcorp Genetics (formerly Invitae), Labcorp
Classification: Uncertain significance for Glycogen storage disease, type VI. Last evaluated: 2022-06-22. Review status: criteria provided, single submitter. Criteria: Invitae Variant Classification Sherloc (09022015). Collection method: clinical testing. Allele origin: germline.
Comment: In summary, the available evidence is currently insufficient to determine the role of this variant in disease. Therefore, it has been classified as a Variant of Uncertain Significance. Advanced modeling of protein sequence and biophysical properties (such as structural, functional, and spatial information, amino acid conservation, physicochemical variation, residue mobility, and thermodynamic stability) performed at Invitae indicates that this missense variant is not expected to disrupt PYGL protein function. ClinVar contains an entry for this variant (Variation ID: 946196). This variant has not been reported in the literature in individuals affected with PYGL-related conditions. This variant is not present in population databases (gnomAD no frequency). This sequence change replaces arginine, which is basic and polar, with serine, which is neutral and polar, at codon 70 of the PYGL protein (p.Arg70Ser).